The following is an entry in ClinVar:

ClinVar aggregate classification (germline): Uncertain significance. Review status: criteria provided, multiple submitters, no conflicts (2 of 4 stars). 2 submissions from 2 submitters: Uncertain significance (2). Last evaluated 2022-07-12.

Conditions:
Epilepsy, childhood absence, susceptibility to, 6. Identifiers: Orphanet 64280, MedGen C2749872, MONDO:0012763, OMIM 611942.
Hyperaldosteronism, familial, type IV (HALD4). Also called: FH IV; ALDOSTERONISM, PRIMARY, AND HYPERTENSION. Identifiers: Orphanet 642671, MedGen C4310756, MONDO:0014875, OMIM 617027.
Idiopathic generalized epilepsy. Also called: Generalised epilepsy; EIG. Identifiers: MedGen C0270850, MONDO:0005579, OMIM 600669.

Submissions (2):

Labcorp Genetics (formerly Invitae), Labcorp
Classification: Uncertain significance for Idiopathic generalized epilepsy; Hyperaldosteronism, familial, type IV. Last evaluated: 2022-07-12. Review status: criteria provided, single submitter. Criteria: Invitae Variant Classification Sherloc (09022015). Collection method: clinical testing. Allele origin: germline.
Comment: In summary, the available evidence is currently insufficient to determine the role of this variant in disease. Therefore, it has been classified as a Variant of Uncertain Significance. Algorithms developed to predict the effect of missense changes on protein structure and function are either unavailable or do not agree on the potential impact of this missense change (SIFT: "Deleterious"; PolyPhen-2: "Probably Damaging"; Align-GVGD: "Class C0"). ClinVar contains an entry for this variant (Variation ID: 1488459). This variant has not been reported in the literature in individuals affected with CACNA1H-related conditions. This variant is not present in population databases (gnomAD no frequency). This sequence change replaces alanine, which is neutral and non-polar, with glycine, which is neutral and non-polar, at codon 448 of the CACNA1H protein (p.Ala448Gly).

Fulgent Genetics
Classification: Uncertain significance for Epilepsy, childhood absence, susceptibility to, 6; Hyperaldosteronism, familial, type IV. Last evaluated: 2022-01-18. Review status: criteria provided, single submitter. Criteria: ACMG Guidelines, 2015. Collection method: clinical testing. Allele origin: unknown.

NM_021098.3(CACNA1H):c.1343C>G (p.Ala448Gly)

Gene: CACNA1H (calcium voltage-gated channel subunit alpha1 H; plus strand). Cytogenetic location: 16p13.3.
Variant type: single nucleotide variant.
Coding change: c.1343C>G on transcript NM_021098.3 (MANE Select); coding-DNA position 1343, C replaced by G.
Protein change: p.Ala448Gly; replaces alanine 448 with glycine.
Molecular consequence: missense variant.
Genome position (GRCh38, 1-based): chr16:1,201,793, C>G. VCF-style: chr16-1201793-C-G. GRCh37 (hg19) VCF-style: chr16-1251793-C-G.
Other names: c.1343C>G, p.Ala448Gly (NM_001005407.2); short protein forms A448G.
Identifiers: ClinVar variation 1488459 (VCV001488459.9), dbSNP rs770949848, ClinGen allele CA394160363.